The following is an entry in ClinVar:

ClinVar aggregate classification (germline): Pathogenic (1 of 4 stars; one submission).

Conditions:
HNF1A-related disorder. Also called: HNF1A-related condition.

Submission:

PreventionGenetics, part of Exact Sciences
Classification: Pathogenic for HNF1A-related condition. Last evaluated: 2023-09-03. Review status: criteria provided, single submitter. Criteria: ACMG Guidelines, 2015. Collection method: clinical testing. Allele origin: germline.
Comment: The HNF1A c.943delA variant is predicted to result in a frameshift and premature protein termination (p.Ser315Valfs*27). To our knowledge, this variant has not been reported in the literature or in a large population database, indicating this variant is rare. Frameshift variants in HNF1A are expected to be pathogenic. This variant is interpreted as pathogenic.

NM_000545.8(HNF1A):c.943del (p.Ser315fs)

Gene: HNF1A (HNF1 homeobox A; plus strand). Cytogenetic location: 12q24.31.
Variant type: Deletion.
Coding change: c.943del on transcript NM_000545.8 (MANE Select); coding-DNA position 943, one base deleted (A; older notation c.943delA).
Protein change: p.Ser315fs; shifts the reading frame from serine 315.
Molecular consequence: frameshift variant.
Genome position (GRCh38, 1-based): chr12:120,994,393, A deleted. VCF-style (leftmost placement, unchanged base first): chr12-120994392-CA-C. GRCh37 (hg19) VCF-style: chr12-121432195-CA-C.
Other names: c.943del, p.Ser315fs (NM_001306179.2, NM_001406915.1); short protein forms S315fs.
Identifiers: ClinVar variation 2630662 (VCV002630662.1), dbSNP rs2499998322, ClinGen allele CA2695199180.